The following is an entry in ClinVar:

ClinVar aggregate classification (germline): Pathogenic (1 of 4 stars; one submission).

Conditions:
Developmental and epileptic encephalopathy, 2 (DEE2). Also called: INFANTILE SPASM SYNDROME, X-LINKED 2; CDKL5 deficiency disorder. Identifiers: Orphanet 1934, Orphanet 3451, Orphanet 505652, MedGen C4750718, MONDO:0010396, OMIM 300672.
Angelman syndrome-like. Identifiers: MedGen CN128785.

Submission:

Labcorp Genetics (formerly Invitae), Labcorp
Classification: Pathogenic for Developmental and epileptic encephalopathy, 2; Angelman syndrome-like. Last evaluated: 2023-07-12. Review status: criteria provided, single submitter. Criteria: Invitae Variant Classification Sherloc (09022015). Collection method: clinical testing. Allele origin: germline.
Comment: This sequence change falls in intron 6 of the CDKL5 gene. It does not directly change the encoded amino acid sequence of the CDKL5 protein. This variant is not present in population databases (gnomAD no frequency). This variant has been observed in individual(s) with CDKL5-related conditions (Invitae). In at least one individual the variant was observed to be de novo. Algorithms developed to predict the effect of sequence changes on RNA splicing suggest that this variant may disrupt the consensus splice site. For these reasons, this variant has been classified as Pathogenic.

NM_001323289.2(CDKL5):c.404-6C>G

Gene: CDKL5 (cyclin dependent kinase like 5; plus strand). Cytogenetic location: Xp22.13.
Variant type: single nucleotide variant.
Coding change: c.404-6C>G on transcript NM_001323289.2 (MANE Select); 6 bases into the intron before coding-DNA position 404, C replaced by G.
Molecular consequence: intron variant.
Genome position (GRCh38, 1-based): chrX:18,581,885, C>G. VCF-style: chrX-18581885-C-G. GRCh37 (hg19) VCF-style: chrX-18600005-C-G.
Other names: c.404-6C>G (NM_003159.3, NM_001037343.2).
Identifiers: ClinVar variation 2949237 (VCV002949237.3), dbSNP rs2518851267, ClinGen allele CA2740092040.